The following is an entry in ClinVar:

NM_000531.6(OTC):c.658C>G (p.Pro220Ala)

Gene: OTC (ornithine transcarbamylase; plus strand). Cytogenetic location: Xp11.4.
Variant type: single nucleotide variant.
Coding change: c.658C>G on transcript NM_000531.6 (MANE Select); coding-DNA position 658, C replaced by G.
Protein change: p.Pro220Ala; replaces proline 220 with alanine.
Molecular consequence: missense variant.
Genome position (GRCh38, 1-based): chrX:38,403,735, C>G. VCF-style: chrX-38403735-C-G. GRCh37 (hg19) VCF-style: chrX-38262988-C-G.
Other names: short protein forms P220A.
Identifiers: ClinVar variation 97281 (VCV000097281.2), dbSNP rs72558425, ClinGen allele CA224727.

ClinVar aggregate classification (germline): Pathogenic (0 of 4 stars; one submission).

Submission:

GenMed Metabolism Lab
Classification: Pathogenic. Review status: no assertion criteria provided. Collection method: not provided. Allele origin: unknown.
Comment: p.Pro220Ala, Late
ClinVar note: Converted during submission from pathogenic to Pathogenic.